The following is an entry in ClinVar:

NM_002858.4(ABCD3):c.1739C>T (p.Ala580Val)

Gene: ABCD3 (ATP binding cassette subfamily D member 3; plus strand). Cytogenetic location: 1p21.3.
Variant type: single nucleotide variant.
Coding change: c.1739C>T on transcript NM_002858.4 (MANE Select); coding-DNA position 1739, C replaced by T.
Protein change: p.Ala580Val; replaces alanine 580 with valine.
Molecular consequence: missense variant.
Genome position (GRCh38, 1-based): chr1:94,499,613, C>T. VCF-style: chr1-94499613-C-T. GRCh37 (hg19) VCF-style: chr1-94965169-C-T.
Other names: short protein forms A580V.
Identifiers: ClinVar variation 4796902 (VCV004796902.1).

ClinVar aggregate classification (germline): Uncertain significance (1 of 4 stars; one submission).

gnomAD v4.1: 43 of 1,613,220 alleles (0.0027%); highest among the groups gnomAD compares: African/African-American, 0.019%; no homozygotes.

Submission:

Labcorp Genetics (formerly Invitae), Labcorp
Classification: Uncertain significance. Last evaluated: 2025-10-19. Review status: criteria provided, single submitter. Criteria: Invitae Variant Classification Sherloc (09022015). Collection method: clinical testing. Allele origin: germline.
Comment: This sequence change replaces alanine, which is neutral and non-polar, with valine, which is neutral and non-polar, at codon 580 of the ABCD3 protein (p.Ala580Val). This variant is present in population databases (rs374833626, gnomAD 0.02%). This variant has not been reported in the literature in individuals affected with ABCD3-related conditions. An algorithm developed to predict the effect of missense changes on protein structure and function (PolyPhen-2) suggests that this variant is likely to be disruptive. In summary, the available evidence is currently insufficient to determine the role of this variant in disease. Therefore, it has been classified as a Variant of Uncertain Significance.